The following is an entry in ClinVar:

NM_198576.4(AGRN):c.4525C>T (p.Arg1509Trp)

Gene: AGRN (agrin; plus strand). Cytogenetic location: 1p36.33.
Variant type: single nucleotide variant.
Coding change: c.4525C>T on transcript NM_198576.4 (MANE Select); coding-DNA position 4525, C replaced by T.
Protein change: p.Arg1509Trp; replaces arginine 1509 with tryptophan.
Molecular consequence: missense variant.
Genome position (GRCh38, 1-based): chr1:1,049,576, C>T. VCF-style: chr1-1049576-C-T. GRCh37 (hg19) VCF-style: chr1-984956-C-T.
Other names: c.4210C>T, p.Arg1404Trp (NM_001364727.2); c.4525C>T, p.Arg1509Trp (NM_001305275.2); short protein forms R1404W, R1509W.
Identifiers: ClinVar variation 2728666 (VCV002728666.3), dbSNP rs768358039, ClinGen allele CA509523.

ClinVar aggregate classification (germline): Uncertain significance (1 of 4 stars; one submission).

Conditions:
Congenital myasthenic syndrome 8. Also called: Myasthenic syndrome, congenital, 8, with pre- and postsynaptic defects; MYASTHENIC SYNDROME, CONGENITAL, DUE TO AGRIN DEFICIENCY. Identifiers: Orphanet 590, MedGen C3808739, MONDO:0014052, OMIM 615120.

Allele frequency attached by ClinVar (database versions not stated): TOPMed below 0.00001; gnomAD 0.00001; gnomAD exomes 0.00001; ExAC 0.00002.
gnomAD v4.1: 10 of 1,589,754 alleles (0.00063%); highest among the groups gnomAD compares: Non-Finnish European, 0.00068%; no homozygotes.

Submission:

Labcorp Genetics (formerly Invitae), Labcorp
Classification: Uncertain significance for Congenital myasthenic syndrome 8. Last evaluated: 2023-10-16. Review status: criteria provided, single submitter. Criteria: Invitae Variant Classification Sherloc (09022015). Collection method: clinical testing. Allele origin: germline.
Comment: This sequence change replaces arginine, which is basic and polar, with tryptophan, which is neutral and slightly polar, at codon 1509 of the AGRN protein (p.Arg1509Trp). The frequency data for this variant in the population databases is considered unreliable, as metrics indicate poor data quality at this position in the gnomAD database. This missense change has been observed in individuals with clinical features of congenital myasthenic syndrome (PMID: 29382405; Invitae). An algorithm developed to predict the effect of missense changes on protein structure and function (PolyPhen-2) suggests that this variant is likely to be disruptive. Experimental studies have shown that this missense change affects AGRN function (PMID: 32271162). In summary, the available evidence is currently insufficient to determine the role of this variant in disease. Therefore, it has been classified as a Variant of Uncertain Significance.

Literature cited by the submitters: PubMed 29382405; PubMed 32271162.